The following is an entry in ClinVar:

ClinVar aggregate classification (germline): Uncertain significance. Review status: criteria provided, multiple submitters, no conflicts (2 of 4 stars). 2 submissions from 2 submitters: Uncertain significance (2). Last evaluated 2023-11-03.

Conditions:
Familial cancer of breast. Also called: hereditary breast carcinoma; BREAST CANCER, FAMILIAL; Hereditary breast cancer. Identifiers: Orphanet 227535, MedGen C0346153, MONDO:0016419, OMIM 114480. Disease mechanism: loss of function.
Fanconi anemia complementation group J. Also called: BRIP1-Related Fanconi Anemia. Identifiers: Orphanet 84, MedGen C1836860, MONDO:0012187, OMIM 609054.
Hereditary cancer-predisposing syndrome. Also called: Neoplastic Syndromes, Hereditary; Hereditary Cancer Syndrome; Tumor predisposition; Hereditary neoplastic syndrome. Identifiers: Orphanet 140162, MedGen C0027672, MeSH D009386, MONDO:0015356.

Submissions (2):

Ambry Genetics
Classification: Uncertain significance for Hereditary cancer-predisposing syndrome. Last evaluated: 2023-11-03. Review status: criteria provided, single submitter. Criteria: Ambry Variant Classification Scheme 2023. Collection method: clinical testing. Allele origin: germline.
Comment: The p.D674N variant (also known as c.2020G>A), located in coding exon 13 of the BRIP1 gene, results from a G to A substitution at nucleotide position 2020. The aspartic acid at codon 674 is replaced by asparagine, an amino acid with highly similar properties. This amino acid position is conserved. In addition, this alteration is predicted to be tolerated by in silico analysis. Since supporting evidence is limited at this time, the clinical significance of this alteration remains unclear.

Labcorp Genetics (formerly Invitae), Labcorp
Classification: Uncertain significance for Familial cancer of breast; Fanconi anemia complementation group J. Last evaluated: 2018-06-20. Review status: criteria provided, single submitter. Criteria: Invitae Variant Classification Sherloc (09022015). Collection method: clinical testing. Allele origin: germline.
Comment: This variant has not been reported in the literature in individuals with BRIP1-related disease. In summary, the available evidence is currently insufficient to determine the role of this variant in disease. Therefore, it has been classified as a Variant of Uncertain Significance. Algorithms developed to predict the effect of missense changes on protein structure and function are either unavailable or do not agree on the potential impact of this missense change (SIFT: "Tolerated"; PolyPhen-2: "Probably Damaging"; Align-GVGD: "Class C0"). This variant is not present in population databases (ExAC no frequency). This sequence change replaces aspartic acid with asparagine at codon 674 of the BRIP1 protein (p.Asp674Asn). The aspartic acid residue is highly conserved and there is a small physicochemical difference between aspartic acid and asparagine.

NM_032043.3(BRIP1):c.2020G>A (p.Asp674Asn)

Gene: BRIP1 (BRCA1 interacting DNA helicase 1; minus strand). Cytogenetic location: 17q23.2.
Variant type: single nucleotide variant.
Coding change: c.2020G>A on transcript NM_032043.3 (MANE Select); coding-DNA position 2020, G replaced by A.
Protein change: p.Asp674Asn; replaces aspartic acid 674 with asparagine.
Molecular consequence: missense variant.
Genome position (GRCh38, 1-based): chr17:61,776,478, C>T on the plus strand (G>A on the coding strand, the complement: BRIP1 is on the minus strand). VCF-style: chr17-61776478-C-T. GRCh37 (hg19) VCF-style: chr17-59853839-C-T.
Other names: short protein forms D674N.
Identifiers: ClinVar variation 581622 (VCV000581622.10), dbSNP rs1567808842, ClinGen allele CA400478309.
Genomic context (GRCh38, chr17:61,776,478, plus strand): 5'-AACACAAAATTCCTTGGCTCACAGTCTGGCACACAGATAACAAAAGTGCTCCCACTTCAT[C>T]TTGGAACTCAAATGTTTCAGTATTCTGGAAGGTAGCACAGAGATTCCGACCCTTGGGGCC-3'
Protein context (NP_114432.2, residues 664-684): FQNTETFEFQ[Asp674Asn]EVGALLLSVC